The following is an entry in ClinVar:

NM_001367823.1(ARHGEF18):c.1850C>G (p.Thr617Arg)

Gene: ARHGEF18 (Rho/Rac guanine nucleotide exchange factor 18; plus strand). Cytogenetic location: 19p13.2.
Variant type: single nucleotide variant.
Coding change: c.1850C>G on transcript NM_001367823.1 (MANE Select); coding-DNA position 1850, C replaced by G.
Protein change: p.Thr617Arg; replaces threonine 617 with arginine.
Molecular consequence: missense variant.
Genome position (GRCh38, 1-based): chr19:7,451,261, C>G. VCF-style: chr19-7451261-C-G. GRCh37 (hg19) VCF-style: chr19-7516147-C-G.
Other names: c.1124C>G, p.Thr375Arg (NM_001130955.2); c.812C>G, p.Thr271Arg (NM_001367824.1, NM_015318.4); short protein forms T271R, T375R, T617R.
Identifiers: ClinVar variation 1362682 (VCV001362682.6), dbSNP rs200483329, ClinGen allele CA403110890.

ClinVar aggregate classification (germline): Uncertain significance (1 of 4 stars; one submission).

gnomAD v4.1: 4 of 1,613,356 alleles (0.00025%); highest among the groups gnomAD compares: Non-Finnish European, 0.00034%; no homozygotes.

Submission:

Labcorp Genetics (formerly Invitae), Labcorp
Classification: Uncertain significance. Last evaluated: 2021-10-19. Review status: criteria provided, single submitter. Criteria: Invitae Variant Classification Sherloc (09022015). Collection method: clinical testing. Allele origin: germline.
Comment: In summary, the available evidence is currently insufficient to determine the role of this variant in disease. Therefore, it has been classified as a Variant of Uncertain Significance. Algorithms developed to predict the effect of missense changes on protein structure and function are either unavailable or do not agree on the potential impact of this missense change (SIFT: "Deleterious"; PolyPhen-2: "Probably Damaging"; Align-GVGD: "Class C0"). This variant has not been reported in the literature in individuals affected with ARHGEF18-related conditions. This variant is not present in population databases (ExAC no frequency). This sequence change replaces threonine with arginine at codon 429 of the ARHGEF18 protein (p.Thr429Arg). The threonine residue is highly conserved and there is a moderate physicochemical difference between threonine and arginine.